The following is an entry in ClinVar:

ClinVar aggregate classification (germline): Uncertain significance (1 of 4 stars; one submission).

Conditions:
Inborn genetic diseases. Identifiers: MedGen C0950123, MeSH D030342.

Submission:

Ambry Genetics
Classification: Uncertain significance for Inborn genetic diseases. Last evaluated: 2025-06-22. Review status: criteria provided, single submitter. Criteria: Ambry Variant Classification Scheme 2023. Collection method: clinical testing. Allele origin: germline.
Comment: The p.C1239W variant (also known as c.3717T>G), located in coding exon 27 of the LTBP3 gene, results from a T to G substitution at nucleotide position 3717. The cysteine at codon 1239 is replaced by tryptophan, an amino acid with highly dissimilar properties. This amino acid position is conserved. In addition, this alteration is predicted to be deleterious by in silico analysis. Based on the available evidence, the clinical significance of this variant remains unclear.

NM_001130144.3(LTBP3):c.3717T>G (p.Cys1239Trp)

Gene: LTBP3 (latent transforming growth factor beta binding protein 3; minus strand). Cytogenetic location: 11q13.1.
Variant type: single nucleotide variant.
Coding change: c.3717T>G on transcript NM_001130144.3 (MANE Select); coding-DNA position 3717, T replaced by G.
Protein change: p.Cys1239Trp; replaces cysteine 1239 with tryptophan.
Molecular consequence: missense variant.
Genome position (GRCh38, 1-based): chr11:65,539,371, A>C on the plus strand (T>G on the coding strand, the complement: LTBP3 is on the minus strand). VCF-style: chr11-65539371-A-C. GRCh37 (hg19) VCF-style: chr11-65306842-A-C.
Other names: c.3225T>G, p.Cys1075Trp (NM_001164266.1); c.3576T>G, p.Cys1192Trp (NM_021070.4); short protein forms C1239W, C1075W, C1192W.
Identifiers: ClinVar variation 4101305 (VCV004101305.1).